The following is an entry in ClinVar:

NM_002971.6(SATB1):c.1423A>G (p.Lys475Glu)

Gene: SATB1 (SATB homeobox 1; minus strand). Cytogenetic location: 3p24.3.
Variant type: single nucleotide variant.
Coding change: c.1423A>G on transcript NM_002971.6 (MANE Select); coding-DNA position 1423, A replaced by G.
Protein change: p.Lys475Glu; replaces lysine 475 with glutamic acid.
Molecular consequence: missense variant.
Genome position (GRCh38, 1-based): chr3:18,378,322, T>C on the plus strand (A>G on the coding strand, the complement: SATB1 is on the minus strand). VCF-style: chr3-18378322-T-C. GRCh37 (hg19) VCF-style: chr3-18419814-T-C.
Other names: c.1423A>G, p.Lys475Glu (NM_001131010.4, NM_001195470.3, NM_001322871.2 and 4 more transcripts); c.1207A>G, p.Lys403Glu (NM_001322876.2); short protein forms K403E, K475E.
Identifiers: ClinVar variation 5018103 (VCV005018103.1).

ClinVar aggregate classification (germline): Uncertain significance (1 of 4 stars; one submission).

Submission:

GeneDx
Classification: Uncertain significance. Last evaluated: 2026-04-03. Review status: criteria provided, single submitter. Criteria: GeneDx Variant Classification Process June 2021. Collection method: clinical testing. Allele origin: germline.
Comment: Not observed at significant frequency in large population cohorts (gnomAD); In silico analysis suggests that this missense variant does not alter protein structure/function; Has not been previously published as pathogenic or benign to our knowledge